The following is an entry in ClinVar:

ClinVar aggregate classification (germline): Uncertain significance. Review status: criteria provided, multiple submitters, no conflicts (2 of 4 stars). 2 submissions from 2 submitters: Uncertain significance (2). Last evaluated 2024-03-16.

Conditions:
Charcot-Marie-Tooth disease type 2. Also called: Charcot-Marie-Tooth type 2. Identifiers: Orphanet 64746, MedGen C0270914, MONDO:0018993.

Submissions (2):

Labcorp Genetics (formerly Invitae), Labcorp
Classification: Uncertain significance for Charcot-Marie-Tooth disease type 2. Last evaluated: 2024-03-16. Review status: criteria provided, single submitter. Criteria: Invitae Variant Classification Sherloc (09022015). Collection method: clinical testing. Allele origin: germline.
Comment: This sequence change replaces glutamine, which is neutral and polar, with leucine, which is neutral and non-polar, at codon 664 of the MFN2 protein (p.Gln664Leu). This variant is not present in population databases (gnomAD no frequency). This variant has not been reported in the literature in individuals affected with MFN2-related conditions. Advanced modeling of protein sequence and biophysical properties (such as structural, functional, and spatial information, amino acid conservation, physicochemical variation, residue mobility, and thermodynamic stability) performed at Invitae indicates that this missense variant is expected to disrupt MFN2 protein function with a positive predictive value of 95%. In summary, the available evidence is currently insufficient to determine the role of this variant in disease. Therefore, it has been classified as a Variant of Uncertain Significance.

Blueprint Genetics
Classification: Uncertain significance. Last evaluated: 2024-03-15. Review status: criteria provided, single submitter. Criteria: ACMG Guidelines, 2015. Collection method: clinical testing. Allele origin: germline.

NM_014874.4(MFN2):c.1991A>T (p.Gln664Leu)

Gene: MFN2 (mitofusin 2; plus strand). Cytogenetic location: 1p36.22.
Variant type: single nucleotide variant.
Coding change: c.1991A>T on transcript NM_014874.4 (MANE Select); coding-DNA position 1991, A replaced by T.
Protein change: p.Gln664Leu; replaces glutamine 664 with leucine.
Molecular consequence: missense variant.
Genome position (GRCh38, 1-based): chr1:12,007,171, A>T. VCF-style: chr1-12007171-A-T. GRCh37 (hg19) VCF-style: chr1-12067228-A-T.
Other names: c.1991A>T, p.Gln664Leu (NM_001127660.2); short protein forms Q664L.
Identifiers: ClinVar variation 3694762 (VCV003694762.3).